The following is an entry in ClinVar:

ClinVar aggregate classification (germline): Uncertain significance. Review status: criteria provided, multiple submitters, no conflicts (2 of 4 stars). 3 submissions from 3 submitters: Uncertain significance (3). Last evaluated 2026-02-23.

Conditions:
KARS1-related disorder. Also called: KARS1-related disorders.

Allele frequency attached by ClinVar (database versions not stated): gnomAD 0.00001; gnomAD exomes 0.00001; TOPMed 0.00004.

Submissions (3):

PreventionGenetics, part of Exact Sciences
Classification: Uncertain significance for KARS1-related condition. Last evaluated: 2026-02-23. Review status: criteria provided, single submitter. Criteria: ACMG Guidelines, 2015. Collection method: clinical testing. Allele origin: germline.
Comment: The KARS1 c.1433A>C variant is predicted to result in the amino acid substitution p.Glu478Ala. To our knowledge, this variant has not been reported in the literature. This variant is reported in 0.00088% of alleles in individuals of European (Non-Finnish) descent in gnomAD. At this time, the clinical significance of this variant is uncertain due to the absence of conclusive functional and genetic evidence.

Ambry Genetics
Classification: Uncertain significance. Last evaluated: 2026-02-17. Review status: criteria provided, single submitter. Criteria: Ambry Variant Classification Scheme 2023. Collection method: clinical testing. Allele origin: germline.
Comment: The c.1433A>C (p.E478A) alteration is located in exon 12 (coding exon 11) of the KARS gene. This alteration results from a A to C substitution at nucleotide position 1433, causing the glutamic acid (E) at amino acid position 478 to be replaced by an alanine (A). Based on data from gnomAD, the C allele has an overall frequency of <0.001% (1/250916) total alleles studied. The highest observed frequency was 0.001% (1/113692) of European (non-Finnish) alleles. Based on insufficient or conflicting evidence, the clinical significance of this alteration remains unclear.

Blueprint Genetics
Classification: Uncertain significance. Last evaluated: 2024-02-21. Review status: criteria provided, single submitter. Criteria: ACMG Guidelines, 2015. Collection method: clinical testing. Allele origin: germline.

NM_005548.3(KARS1):c.1349A>C (p.Glu450Ala)

Genes: KARS1 (lysyl-tRNA synthetase 1; minus strand), LOC126862402 (CDK7 strongly-dependent group 2 enhancer GRCh37_chr16:75663368-75664567; plus strand). Cytogenetic location: 16q23.1.
Variant type: single nucleotide variant.
Coding change: c.1349A>C on transcript NM_005548.3 (MANE Select); coding-DNA position 1349, A replaced by C.
Protein change: p.Glu450Ala; replaces glutamic acid 450 with alanine.
Molecular consequence: missense variant.
Genome position (GRCh38, 1-based): chr16:75,630,498, T>G on the plus strand (A>C on the coding strand, the complement: KARS1 is on the minus strand). VCF-style: chr16-75630498-T-G. GRCh37 (hg19) VCF-style: chr16-75664396-T-G.
Other names: c.1433A>C, p.Glu478Ala (NM_001130089.2); c.881A>C, p.Glu294Ala (NM_001378148.1); short protein forms E450A, E294A, E478A.
Identifiers: ClinVar variation 2460084 (VCV002460084.5), dbSNP rs1445863707, ClinGen allele CA396811081.